The following is an entry in ClinVar:

ClinVar aggregate classification (germline): Uncertain significance. Review status: reviewed by expert panel (3 of 4 stars). 2 submissions from 2 submitters: Uncertain significance (1). 1 of the submissions does not count toward it. Last evaluated 2025-08-01.

Conditions:
Malignant hyperthermia, susceptibility to, 1 (MHS1). Also called: Malignant hyperthermia suceptibility 1; Anesthesia related hyperthermia; Malignant hyperpyrexia; Fulminating hyperpyrexia; Pharmacogenic myopathy; RYR1-Related Malignant Hyperthermia Susceptibility. Identifiers: Orphanet 423, MedGen C2930980, MONDO:0007783, OMIM 145600.

Submissions (2):

ClinGen Malignant Hyperthermia Susceptibility Variant Curation Expert Panel, ClinGen
Classification: Uncertain significance for Malignant hyperthermia, susceptibility to, 1. Last evaluated: 2025-08-01. Review status: reviewed by expert panel. Criteria: ClinGen MHS ACMG Specifications V2. Collection method: curation. Allele origin: germline. Inheritance: Autosomal dominant inheritance. Study: ClinGen.
Comment: This pathogenicity assessment is relevant only for malignant hyperthermia susceptibility (MHS) inherited in an autosomal dominant pattern. Variants in RYR1 can also cause other myopathies inherited in an autosomal dominant pattern or in an autosomal recessive pattern. Some of these disorders may predispose individuals to malignant hyperthermia. RYR1 variants may also contribute to a malignant hyperthermia reaction in combination with other genetic and non-genetic factors and the clinician needs to consider such factors in making management decisions. This sequence variant predicts a substitution of arginine with serine at codon 401 of the RYR1 protein, p.(Arg401Ser). This variant was not present in a large population database (gnomAD) at the time it was interpreted. This variant has been reported in an individual with a personal or family history of an MH episode and a positive in vitro contracture test (IVCT) or caffeine halothane contracture test (CHCT) result (if the proband was unavailable for testing, a positive diagnostic test result in a mutation-positive relative was counted), PS4_Supporting (PMID:16163667). No functional studies were identified for this variant. This variant resides in a region of RYR1 considered to be a hotspot for pathogenic variants that contribute to MHS, use PM1_Supporting to avoid overweighting with PM5 (PMID: 21118704). Another variant has been assessed as pathogenic that occurs at this codon, p.(Arg401His), PM5. A REVEL score of 0.839 supports neither a pathogenic nor a benign status for this variant. This variant has been classified as a Variant of Unknown Significance. Criteria implemented: PS4_Supporting, PM1_Supporting, PM5.

CeGaT Center for Human Genetics Tuebingen
Classification: Likely pathogenic. Last evaluated: 2026-02-01. Review status: criteria provided, single submitter. Criteria: CeGaT Center For Human Genetics Tuebingen Variant Classification Criteria Version 2. Collection method: clinical testing. Allele origin: germline. Affected: yes. Observed: 1 variant allele. Not counted in ClinVar's aggregate classification.
Comment: RYR1: PM1, PM2, PM5, PS4:Supporting

NM_000540.3(RYR1):c.1201C>A (p.Arg401Ser)

Gene: RYR1 (ryanodine receptor 1; plus strand). Cytogenetic location: 19q13.2.
Variant type: single nucleotide variant.
Coding change: c.1201C>A on transcript NM_000540.3 (MANE Select); coding-DNA position 1201, C replaced by A.
Protein change: p.Arg401Ser; replaces arginine 401 with serine.
Molecular consequence: missense variant.
Genome position (GRCh38, 1-based): chr19:38,451,842, C>A. VCF-style: chr19-38451842-C-A. GRCh37 (hg19) VCF-style: chr19-38942482-C-A.
Other names: NM_000540.2(RYR1):c.1201C>A; p.Arg401Ser; NM_001042723.2:c.1201C>A; c.1201C>A, p.Arg401Ser (NM_001042723.2); short protein forms R401S.
Identifiers: ClinVar variation 1214004 (VCV001214004.8), dbSNP rs193922764, ClinGen allele CA405683844.
Genomic context (GRCh38, chr19:38,451,842, plus strand): 5'-GGCCACATGGACGACGCACTGTCGCTGACCCGCTGCCAGCAGGAGGAGTCCCAGGCCGCC[C>A]GCATGATCCACAGCACCAATGGCCTATACAACCAGTTCATCAAGTGAGCAACCTGCCCTC-3'
Protein context (NP_000531.2, residues 391-411): RCQQEESQAA[Arg401Ser]MIHSTNGLYN